The following is an entry in ClinVar:

ClinVar aggregate classification (germline): Uncertain significance (1 of 4 stars; one submission).

Allele frequency attached by ClinVar (database versions not stated): gnomAD exomes below 0.00001.
gnomAD v4.1: 2 of 1,614,096 alleles (0.00012%); highest among the groups gnomAD compares: Non-Finnish European, 0.00017%; no homozygotes.

Submission:

Labcorp Genetics (formerly Invitae), Labcorp
Classification: Uncertain significance. Last evaluated: 2022-09-16. Review status: criteria provided, single submitter. Criteria: Invitae Variant Classification Sherloc (09022015). Collection method: clinical testing. Allele origin: germline.
Comment: This sequence change replaces cysteine, which is neutral and slightly polar, with tyrosine, which is neutral and polar, at codon 658 of the KCNH1 protein (p.Cys658Tyr). Advanced modeling of protein sequence and biophysical properties (such as structural, functional, and spatial information, amino acid conservation, physicochemical variation, residue mobility, and thermodynamic stability) has been performed at Invitae for this missense variant, however the output from this modeling did not meet the statistical confidence thresholds required to predict the impact of this variant on KCNH1 protein function. This variant has not been reported in the literature in individuals affected with KCNH1-related conditions. This variant is not present in population databases (gnomAD no frequency). In summary, the available evidence is currently insufficient to determine the role of this variant in disease. Therefore, it has been classified as a Variant of Uncertain Significance.

NM_172362.3(KCNH1):c.1973G>A (p.Cys658Tyr)

Gene: KCNH1 (potassium voltage-gated channel subfamily H member 1; minus strand). Cytogenetic location: 1q32.2.
Variant type: single nucleotide variant.
Coding change: c.1973G>A on transcript NM_172362.3 (MANE Select); coding-DNA position 1973, G replaced by A.
Protein change: p.Cys658Tyr; replaces cysteine 658 with tyrosine.
Molecular consequence: missense variant.
Genome position (GRCh38, 1-based): chr1:210,775,487, C>T on the plus strand (G>A on the coding strand, the complement: KCNH1 is on the minus strand). VCF-style: chr1-210775487-C-T. GRCh37 (hg19) VCF-style: chr1-210948829-C-T.
Other names: c.1892G>A, p.Cys631Tyr (NM_002238.4); short protein forms C631Y, C658Y.
Identifiers: ClinVar variation 2152774 (VCV002152774.4), dbSNP rs2526747878, ClinGen allele CA344872178.